The following is an entry in ClinVar:

ClinVar aggregate classification (germline): Pathogenic (1 of 4 stars; one submission).

Conditions:
POLG-related disorder. Also called: POLG-Related Spectrum Disorders; POLG-related condition; POLG-Related Disorders. Identifiers: MedGen C4763519.

Submission:

Myriad Genetics, Inc.
Classification: Pathogenic for POLG-related disorder. Last evaluated: 2024-07-21. Review status: criteria provided, single submitter. Criteria: Myriad Autosomal Dominant, Autosomal Recessive and X-Linked Classification Criteria (2023). Collection method: clinical testing. Allele origin: unknown.
Comment: NM_002693.2(POLG):c.2244G>A(W748*) is expected to be pathogenic in the context of POLG-related disorders. This variant is predicted to lead to an abnormal or absent protein product due to the creation of a premature termination codon in POLG, a gene where loss-of-function variants are known to be pathogenic. Please note: this variant was assessed in the context of healthy population screening.

NM_002693.3(POLG):c.2244G>A (p.Trp748Ter)

Gene: POLG (DNA polymerase gamma, catalytic subunit; minus strand). Cytogenetic location: 15q26.1.
Variant type: single nucleotide variant.
Coding change: c.2244G>A on transcript NM_002693.3 (MANE Select); coding-DNA position 2244, G replaced by A.
Protein change: p.Trp748Ter; replaces tryptophan 748 with a stop codon.
Molecular consequence: nonsense.
Genome position (GRCh38, 1-based): chr15:89,323,425, C>T on the plus strand (G>A on the coding strand, the complement: POLG is on the minus strand). VCF-style: chr15-89323425-C-T. GRCh37 (hg19) VCF-style: chr15-89866656-C-T.
Other names: c.2244G>A, p.Trp748Ter (NM_001126131.2); short protein forms W748*.
Identifiers: ClinVar variation 5013339 (VCV005013339.1).
Genomic context (GRCh38, chr15:89,323,425, plus strand): 5'-GAGGAAACACCACAGGACAGGCCATGACCCAGGACACACCTTGTGAGGCAGCTTGAAAAA[C>T]CAGCAGCCAGGGATGTCCACGTCGTTGTAAGGTCCATTGCCATGGTGATAGCTGGGCTGG-3'